The following is an entry in ClinVar:

NM_001160372.4(TRAPPC9):c.2728G>A (p.Val910Ile)

Gene: TRAPPC9 (trafficking protein particle complex subunit 9; minus strand). Cytogenetic location: 8q24.3.
Variant type: single nucleotide variant.
Coding change: c.2728G>A on transcript NM_001160372.4 (MANE Select); coding-DNA position 2728, G replaced by A.
Protein change: p.Val910Ile; replaces valine 910 with isoleucine.
Molecular consequence: missense variant. On other transcripts: non-coding transcript variant (1), intron variant (1).
Genome position (GRCh38, 1-based): chr8:139,988,808, C>T on the plus strand (G>A on the coding strand, the complement: TRAPPC9 is on the minus strand). VCF-style: chr8-139988808-C-T. GRCh37 (hg19) VCF-style: chr8-140999016-C-T.
Other names: c.2701G>A, p.Val901Ile (NM_001321646.2); c.2749G>A, p.Val917Ile (NM_001374682.1); c.2584G>A, p.Val862Ile (NM_001374684.1); c.2728G>A, p.Val910Ile (NM_031466.8); c.2699+35129G>A (NM_001374683.1); short protein forms V910I, V901I, V862I, V917I.
Identifiers: ClinVar variation 1798933 (VCV001798933.3), dbSNP rs946290836, ClinGen allele CA187232726.

ClinVar aggregate classification (germline): Uncertain significance. Review status: criteria provided, multiple submitters, no conflicts (2 of 4 stars). 2 submissions from 2 submitters: Uncertain significance (2). Last evaluated 2025-06-29.

Conditions:
Intellectual developmental disorder, autosomal recessive 13. Also called: Intellectual disability, autosomal recessive 13. Identifiers: Orphanet 88616, MedGen C2750791, MONDO:0013173, OMIM 613192.
Inborn genetic diseases. Identifiers: MedGen C0950123, MeSH D030342.

Allele frequency attached by ClinVar (database versions not stated): TOPMed 0.00001; gnomAD exomes below 0.00001.
gnomAD v4.1: 1 of 1,551,460 alleles (0.000064%); highest among the groups gnomAD compares: African/African-American, 0.0014%; no homozygotes.

Submissions (2):

Laboratorio de Genetica e Diagnostico Molecular, Hospital Israelita Albert Einstein
Classification: Uncertain significance for Intellectual developmental disorder, autosomal recessive 13. Last evaluated: 2025-06-29. Review status: criteria provided, single submitter. Criteria: ACMG Guidelines, 2015. Collection method: clinical testing. Allele origin: germline. Affected: yes.
Comment: ACMG classification criteria: PM2 supporting, BP4 supporting

Ambry Genetics
Classification: Uncertain significance for Inborn genetic diseases. Last evaluated: 2020-06-24. Review status: criteria provided, single submitter. Criteria: Ambry Variant Classification Scheme 2023. Collection method: clinical testing. Allele origin: germline.
Comment: The p.V1008I variant (also known as c.3022G>A), located in coding exon 19 of the TRAPPC9 gene, results from a G to A substitution at nucleotide position 3022. The valine at codon 1008 is replaced by isoleucine, an amino acid with highly similar properties. This amino acid position is well conserved in available vertebrate species; however, isoleucine is the reference amino acid in other vertebrate species. In addition, this alteration is predicted to be tolerated by in silico analysis. Since supporting evidence is limited at this time, the clinical significance of this alteration remains unclear.